The following is an entry in ClinVar:

ClinVar aggregate classification (germline): Likely pathogenic (1 of 4 stars; one submission).

Conditions:
Inborn genetic diseases. Identifiers: MedGen C0950123, MeSH D030342.

Submission:

Ambry Genetics
Classification: Likely pathogenic for Inborn genetic diseases. Last evaluated: 2020-07-10. Review status: criteria provided, single submitter. Criteria: Ambry Variant Classification Scheme 2023. Collection method: clinical testing. Allele origin: germline.
Comment: The alteration results in an in-frame deletion: _x000D_ _x000D_ The c.1030_1032delATT (p.I344del) alteration, located in coding exon 8 of the GNAO1 gene, results from an in-frame deletion of 3 nucleotides at positions c.1030 to c.1032. This results in the deletion of a isoleucine residue at codon 344. The alteration is not observed in population databases:_x000D_ _x000D_ Based on data from the Genome Aggregation Database (gnomAD), the GNAO1 c.1030_1032delATT alteration was not observed, with coverage at this position. The altered amino acid is conserved throughout evolution:_x000D_ _x000D_ The p.I344 amino acid is conserved in available vertebrate species. The alteration is predicted deleterious by in silico models:_x000D_ _x000D_ The p.I344del alteration is predicted to be deleterious with a score of -10.84 by PROVEAN in silico analysis. Based on the available evidence, this alteration is classified as likely pathogenic.

Literature cited by the submitters: PubMed 30682224.

NM_020988.3(GNAO1):c.1030_1032del (p.Ile344del)

Gene: GNAO1 (G protein subunit alpha o1; plus strand). Cytogenetic location: 16q13.
Variant type: Deletion.
Coding change: c.1030_1032del on transcript NM_020988.3 (MANE Select); coding-DNA positions 1030 to 1032, 3 bases deleted (ATT; older notation c.1030_1032delATT).
Protein change: p.Ile344del; deletes isoleucine 344.
Molecular consequence: inframe deletion.
Genome position (GRCh38, 1-based): chr16:56,355,018-56,355,020, ATT deleted. VCF-style (leftmost placement, unchanged base first): chr16-56355017-CATT-C. GRCh37 (hg19) VCF-style: chr16-56388929-CATT-C.
Other names: short protein forms I344del.
Identifiers: ClinVar variation 985652 (VCV000985652.4), dbSNP rs2037954707, ClinGen allele CA1139664701.